The following is an entry in ClinVar:

NC_000014.8:g.(?_81422025)_(81610697_?)del

Gene: TSHR (thyroid stimulating hormone receptor; plus strand). Cytogenetic location: 14q31.1.
Variant type: Deletion.
Identifiers: ClinVar variation 3244057 (VCV003244057.1).

ClinVar aggregate classification (germline): Pathogenic (1 of 4 stars; one submission).

Submission:

Labcorp Genetics (formerly Invitae), Labcorp
Classification: Pathogenic. Last evaluated: 2023-06-14. Review status: criteria provided, single submitter. Criteria: Invitae Variant Classification Sherloc (09022015). Collection method: clinical testing. Allele origin: unknown.
Comment: For these reasons, this variant has been classified as Pathogenic. This variant has not been reported in the literature in individuals affected with TSHR-related conditions. A gross deletion of the genomic region encompassing the full coding sequence of the TSHR gene has been identified. Loss-of-function variants in TSHR are known to be pathogenic (PMID: 8954020). The boundaries of this event are unknown as they extend beyond the assayed region for this gene and therefore may encompass additional genes.

Literature cited by the submitters: PubMed 8954020.